The following is an entry in ClinVar:

NM_006612.6(KIF1C):c.1275G>A (p.Pro425=)

Gene: KIF1C (kinesin family member 1C; plus strand). Cytogenetic location: 17p13.2.
Variant type: single nucleotide variant.
Coding change: c.1275G>A on transcript NM_006612.6 (MANE Select); coding-DNA position 1275, G replaced by A.
Protein change: p.Pro425=; no amino-acid change (proline 425 retained).
Molecular consequence: synonymous variant.
Genome position (GRCh38, 1-based): chr17:5,007,024, G>A. VCF-style: chr17-5007024-G-A. GRCh37 (hg19) VCF-style: chr17-4910319-G-A.
Identifiers: ClinVar variation 1985032 (VCV001985032.29), dbSNP rs539482350, ClinGen allele CA8318914.

ClinVar aggregate classification (germline): Benign/Likely benign. Review status: criteria provided, multiple submitters, no conflicts (2 of 4 stars). 3 submissions from 3 submitters: Benign (1); Likely benign (2). Last evaluated 2025-08-17.

Conditions:
Spastic ataxia 2. Also called: Ataxia, spastic, 2, autosomal recessive. Identifiers: Orphanet 397946, MedGen C1969796, MONDO:0012651, OMIM 611302.

Allele frequency attached by ClinVar (database versions not stated): TOPMed 0.00012; gnomAD 0.00029; gnomAD exomes 0.00042; 1000 Genomes Project 30x 0.00062; 1000 Genomes Project 0.00080; ExAC 0.00094.
gnomAD v4.1: 656 of 1,609,352 alleles (0.041%); highest among the groups gnomAD compares: South Asian, 0.58%; 8 homozygotes.

Submissions (3):

Labcorp Genetics (formerly Invitae), Labcorp
Classification: Benign for Spastic ataxia 2. Last evaluated: 2025-08-17. Review status: criteria provided, single submitter. Criteria: Invitae Variant Classification Sherloc (09022015). Collection method: clinical testing. Allele origin: germline.

CeGaT Center for Human Genetics Tuebingen
Classification: Likely benign. Last evaluated: 2025-07-01. Review status: criteria provided, single submitter. Criteria: CeGaT Center For Human Genetics Tuebingen Variant Classification Criteria Version 2. Collection method: clinical testing. Allele origin: germline. Affected: yes. Observed: 2 variant alleles.
Comment: KIF1C: BP4, BP7

Blueprint Genetics
Classification: Likely benign. Last evaluated: 2024-11-07. Review status: criteria provided, single submitter. Criteria: ACMG Guidelines, 2015. Collection method: clinical testing. Allele origin: germline.